The following is an entry in ClinVar:

ClinVar aggregate classification (germline): Conflicting classifications of pathogenicity. Review status: criteria provided, conflicting classifications (1 of 4 stars). 3 submissions from 2 submitters: Likely pathogenic (2); Uncertain significance (1). Last evaluated 2022-08-25.

Conditions:
Glutamate pyruvate transaminase 2 deficiency (NEDSPM). Also called: Neurodevelopmental disorder with microcephaly and spastic paraplegia. Identifiers: Orphanet 477673, MedGen C4225388, MONDO:0014567, OMIM 616281.
Hereditary spastic paraplegia 73. Also called: Spastic paraplegia 73, autosomal dominant. Identifiers: Orphanet 444099, MedGen C5568981, MONDO:0014568, OMIM 616282.

Allele frequency attached by ClinVar (database versions not stated): ExAC 0.00001; gnomAD exomes below 0.00001.

Submissions (3):

Laboratory of Medical Genetics, National & Kapodistrian University of Athens
Classification: Likely pathogenic for Hereditary spastic paraplegia 73. Last evaluated: 2022-08-25. Review status: criteria provided, single submitter. Criteria: ACMG Guidelines, 2015. Collection method: clinical testing. Allele origin: germline. Affected: yes.
Comment: PM2, PP2, PP3

Laboratory of Medical Genetics, National & Kapodistrian University of Athens
Classification: Likely pathogenic for Glutamate pyruvate transaminase 2 deficiency. Last evaluated: 2022-08-22. Review status: criteria provided, single submitter. Criteria: ACMG Guidelines, 2015. Collection method: clinical testing. Allele origin: biparental. Inheritance: Autosomal recessive inheritance. Affected: yes. Observed: 1 homozygote.

Neuberg Centre For Genomic Medicine, NCGM
Classification: Uncertain significance for Glutamate pyruvate transaminase 2 deficiency. Review status: criteria provided, single submitter. Criteria: ACMG Guidelines, 2015. Collection method: clinical testing. Allele origin: germline. Inheritance: Autosomal recessive inheritance. Affected: yes.
Comment: The missense variant c.1441G>A (p.Gly481Ser) in GPT2 gene has not been reported previously as a pathogenic variant nor as a benign variant, to our knowledge. The p.Gly481Ser variant is novel (not in any individuals) in 1000 Genomes and allele frequency of 0.0004% is reported in gnomAD. The amino acid Gly at position 481 is changed to a Ser changing protein sequence and it might alter its composition and physico-chemical properties. The amino acid change p.Gly481Ser in GPT2 is predicted as conserved by GERP++ and PhyloP across 100 vertebrates. For these reasons, this variant has been classified as Uncertain Significance.

NM_133443.4(GPT2):c.1441G>A (p.Gly481Ser)

Gene: GPT2 (glutamic--pyruvic transaminase 2; plus strand). Cytogenetic location: 16q11.2.
Variant type: single nucleotide variant.
Coding change: c.1441G>A on transcript NM_133443.4 (MANE Select); coding-DNA position 1441, G replaced by A.
Protein change: p.Gly481Ser; replaces glycine 481 with serine.
Molecular consequence: missense variant.
Genome position (GRCh38, 1-based): chr16:46,926,997, G>A. VCF-style: chr16-46926997-G-A. GRCh37 (hg19) VCF-style: chr16-46960909-G-A.
Other names: c.1141G>A, p.Gly381Ser (NM_001142466.3); short protein forms G381S, G481S.
Identifiers: ClinVar variation 1701973 (VCV001701973.4), dbSNP rs745565332, ClinGen allele CA8038929.
Genomic context (GRCh38, chr16:46,926,997, plus strand): 5'-GCTCCAGACATGTTCTACTGCATGAAGCTCCTGGAGGAGACTGGCATCTGTGTCGTGCCC[G>A]GCAGTGGCTTTGGGCAGAGGGAAGGCACTTACCACTTCAGGTATGACTTCCTCTCCGCAC-3'
Protein context (NP_597700.1, residues 471-491): LEETGICVVP[Gly481Ser]SGFGQREGTY